The following is an entry in ClinVar:

ClinVar aggregate classification (germline): Pathogenic. Review status: reviewed by expert panel (3 of 4 stars). 6 submissions from 6 submitters: Pathogenic (1). 5 of the submissions do not count toward it. Last evaluated 2016-10-18.

Conditions:
Hereditary cancer-predisposing syndrome. Also called: Hereditary Cancer Syndrome; Neoplastic Syndromes, Hereditary; Tumor predisposition; Hereditary neoplastic syndrome. Identifiers: Orphanet 140162, MedGen C0027672, MeSH D009386, MONDO:0015356.
Breast-ovarian cancer, familial, susceptibility to, 2 (BROVCA2). Also called: BRCA2 Hereditary Breast and Ovarian Cancer. Identifiers: Orphanet 145, MedGen C2675520, MONDO:0012933, OMIM 612555. Disease mechanism: loss of function.
Hereditary breast ovarian cancer syndrome. Also called: Hereditary breast and/or ovarian cancer syndrome; BRCA1- and BRCA2-Associated Hereditary Breast and Ovarian Cancer; Hereditary breast and ovarian cancer syndrome (HBOC); Hereditary breast and ovarian cancer; Hereditary breast and ovarian cancer syndrome; Breast and ovarian cancer. Identifiers: Orphanet 145, MedGen C0677776, MeSH D061325, MONDO:0003582. Disease mechanism: loss of function.
Familial cancer of breast. Also called: Hereditary breast cancer; hereditary breast carcinoma; BREAST CANCER, FAMILIAL. Identifiers: Orphanet 227535, MedGen C0346153, MONDO:0016419, OMIM 114480. Disease mechanism: loss of function.

Submissions (6):

Evidence-based Network for the Interpretation of Germline Mutant Alleles (ENIGMA)
Classification: Pathogenic for Breast-ovarian cancer, familial, susceptibility to, 2. Last evaluated: 2016-10-18. Review status: reviewed by expert panel. Criteria: ENIGMA BRCA1/2 Classification Criteria (2015). Collection method: curation. Allele origin: germline.
Comment: Variant allele predicted to encode a truncated non-functional protein.

Ambry Genetics
Classification: Pathogenic for Hereditary cancer-predisposing syndrome. Last evaluated: 2025-09-29. Review status: criteria provided, single submitter. Criteria: Ambry Variant Classification Scheme 2023. Collection method: clinical testing. Allele origin: germline. Not counted in ClinVar's aggregate classification.
Comment: The p.L1152* pathogenic mutation (also known as c.3455T>A), located in coding exon 10 of the BRCA2 gene, results from a T to A substitution at nucleotide position 3455. This changes the amino acid from a leucine to a stop codon within coding exon 10. This alteration is expected to result in loss of function by premature protein truncation or nonsense-mediated mRNA decay. As such, this alteration is interpreted as a disease-causing mutation.

Labcorp Genetics (formerly Invitae), Labcorp
Classification: Pathogenic for Hereditary breast ovarian cancer syndrome. Last evaluated: 2024-11-18. Review status: criteria provided, single submitter. Criteria: Invitae Variant Classification Sherloc (09022015). Collection method: clinical testing. Allele origin: germline. Not counted in ClinVar's aggregate classification.
Comment: This sequence change creates a premature translational stop signal (p.Leu1152*) in the BRCA2 gene. It is expected to result in an absent or disrupted protein product. Loss-of-function variants in BRCA2 are known to be pathogenic (PMID: 20104584). This variant is not present in population databases (gnomAD no frequency). This premature translational stop signal has been observed in individual(s) with increased risk of breast and/or ovarian cancer (PMID: 29446198). ClinVar contains an entry for this variant (Variation ID: 229781). For these reasons, this variant has been classified as Pathogenic.

Baylor Genetics
Classification: Pathogenic for Familial cancer of breast. Last evaluated: 2022-02-22. Review status: criteria provided, single submitter. Criteria: ACMG Guidelines, 2015. Collection method: clinical testing. Allele origin: unknown. Not counted in ClinVar's aggregate classification.

Women's Health and Genetics/Laboratory Corporation of America, LabCorp
Classification: Pathogenic for Hereditary breast ovarian cancer syndrome. Last evaluated: 2022-01-10. Review status: criteria provided, single submitter. Criteria: LabCorp Variant Classification Summary - May 2015. Collection method: clinical testing. Allele origin: germline. Not counted in ClinVar's aggregate classification.
Comment: Variant summary: BRCA2 c.3455T>A (p.Leu1152X) results in a premature termination codon, predicted to cause a truncation of the encoded protein or absence of the protein due to nonsense mediated decay, which are commonly known mechanisms for disease. The variant was absent in 250978 control chromosomes (gnomAD). The variant, c.3455T>A, has been reported in the literature in individual(s) with personal and/or family history of breast/ovarian cancer (Rebbeck_2018). To our knowledge, no experimental evidence demonstrating an impact on protein function has been reported. Four submitters, including an expert panel (ENIGMA), have provided clinical-significance assessments for this variant in ClinVar after 2014, and all classified the variant as pathogenic. Based on the evidence outlined above, the variant was classified as pathogenic.

Consortium of Investigators of Modifiers of BRCA1/2 (CIMBA), c/o University of Cambridge
Classification: Pathogenic for Breast-ovarian cancer, familial, susceptibility to, 2. Last evaluated: 2015-10-02. Review status: criteria provided, single submitter. Criteria: CIMBA Mutation Classification guidelines May 2016. Collection method: clinical testing. Allele origin: germline. Not counted in ClinVar's aggregate classification.

Literature cited by the submitters: PubMed 20625817 (cited by Ambry Genetics); PubMed 20104584 (cited by Labcorp Genetics (formerly Invitae), Labcorp); PubMed 29446198 (cited by Labcorp Genetics (formerly Invitae), Labcorp and Women's Health and Genetics/Laboratory Corporation of America, LabCorp).

NM_000059.4(BRCA2):c.3455T>A (p.Leu1152Ter)

Gene: BRCA2 (BRCA2 DNA repair associated; plus strand). Cytogenetic location: 13q13.1.
Variant type: single nucleotide variant.
Coding change: c.3455T>A on transcript NM_000059.4 (MANE Select); coding-DNA position 3455, T replaced by A.
Protein change: p.Leu1152Ter; replaces leucine 1152 with a stop codon.
Molecular consequence: nonsense.
Genome position (GRCh38, 1-based): chr13:32,337,810, T>A. VCF-style: chr13-32337810-T-A. GRCh37 (hg19) VCF-style: chr13-32911947-T-A.
Other names: 3683T>A; short protein forms L1152*.
Identifiers: ClinVar variation 229781 (VCV000229781.19), dbSNP rs80358593, ClinGen allele CA10579579.